The following is an entry in ClinVar:

ClinVar aggregate classification (germline): Uncertain significance. Review status: criteria provided, multiple submitters, no conflicts (2 of 4 stars). 3 submissions from 3 submitters: Uncertain significance (3). Last evaluated 2026-05-01.

Conditions:
Inborn genetic diseases. Identifiers: MedGen C0950123, MeSH D030342.

Allele frequency attached by ClinVar (database versions not stated): gnomAD exomes 0.00002; ExAC 0.00005; gnomAD 0.00005; TOPMed 0.00008; ESP Exome Variant Server 0.00015.
gnomAD v4.1: 39 of 1,613,962 alleles (0.0024%); highest among the groups gnomAD compares: Admixed American, 0.0067%; no homozygotes.

Submissions (3):

CeGaT Center for Human Genetics Tuebingen
Classification: Uncertain significance. Last evaluated: 2026-05-01. Review status: criteria provided, single submitter. Criteria: CeGaT Center For Human Genetics Tuebingen Variant Classification Criteria Version 2. Collection method: clinical testing. Allele origin: germline. Affected: yes. Observed: 1 variant allele.

Labcorp Genetics (formerly Invitae), Labcorp
Classification: Uncertain significance. Last evaluated: 2025-11-27. Review status: criteria provided, single submitter. Criteria: Invitae Variant Classification Sherloc (09022015). Collection method: clinical testing. Allele origin: germline.
Comment: This sequence change replaces glycine, which is neutral and non-polar, with arginine, which is basic and polar, at codon 416 of the ANXA11 protein (p.Gly416Arg). This variant is present in population databases (rs146683788, gnomAD 0.004%). This variant has not been reported in the literature in individuals affected with ANXA11-related conditions. ClinVar contains an entry for this variant (Variation ID: 1940076). An algorithm developed to predict the effect of missense changes on protein structure and function (PolyPhen-2) suggests that this variant is likely to be disruptive. In summary, the available evidence is currently insufficient to determine the role of this variant in disease. Therefore, it has been classified as a Variant of Uncertain Significance.

Ambry Genetics
Classification: Uncertain significance for Inborn genetic diseases. Last evaluated: 2025-11-26. Review status: criteria provided, single submitter. Criteria: Ambry Variant Classification Scheme 2023. Collection method: clinical testing. Allele origin: germline.

NM_145868.2(ANXA11):c.1246G>A (p.Gly416Arg)

Genes: ANXA11 (annexin A11; minus strand), LOC126860977 (CDK7 strongly-dependent group 2 enhancer GRCh37_chr10:81917938-81919137; plus strand). Cytogenetic location: 10q22.3.
Variant type: single nucleotide variant.
Coding change: c.1246G>A on transcript NM_145868.2 (MANE Select); coding-DNA position 1246, G replaced by A.
Protein change: p.Gly416Arg; replaces glycine 416 with arginine.
Molecular consequence: missense variant.
Genome position (GRCh38, 1-based): chr10:80,159,130, C>T on the plus strand (G>A on the coding strand, the complement: ANXA11 is on the minus strand). VCF-style: chr10-80159130-C-T. GRCh37 (hg19) VCF-style: chr10-81918886-C-T.
Other names: c.1147G>A, p.Gly383Arg (NM_001278409.2); c.1246G>A, p.Gly416Arg (NM_145869.2, NM_001157.3, NM_001278407.2 and 1 more transcripts); short protein forms G416R, G383R.
Identifiers: ClinVar variation 1940076 (VCV001940076.9), dbSNP rs146683788, ClinGen allele CA5575855.